The following is an entry in ClinVar:

NM_001040108.2(MLH3):c.2488T>C (p.Phe830Leu)

Gene: MLH3 (mutL homolog 3; minus strand). Cytogenetic location: 14q24.3.
Variant type: single nucleotide variant.
Coding change: c.2488T>C on transcript NM_001040108.2 (MANE Select); coding-DNA position 2488, T replaced by C.
Protein change: p.Phe830Leu; replaces phenylalanine 830 with leucine.
Molecular consequence: missense variant.
Genome position (GRCh38, 1-based): chr14:75,047,168, A>G on the plus strand (T>C on the coding strand, the complement: MLH3 is on the minus strand). VCF-style: chr14-75047168-A-G. GRCh37 (hg19) VCF-style: chr14-75513871-A-G.
Other names: c.2488T>C, p.Phe830Leu (NM_014381.3); c.2488T>C (NM_001040108.1); short protein forms F830L.
Identifiers: ClinVar variation 1023513 (VCV001023513.9), dbSNP rs1892298729, ClinGen allele CA390440215.

ClinVar aggregate classification (germline): Conflicting classifications of pathogenicity. Review status: criteria provided, conflicting classifications (1 of 4 stars). 2 submissions from 2 submitters: Uncertain significance (1); Likely benign (1). Last evaluated 2025-07-30.

Conditions:
Colorectal cancer, hereditary nonpolyposis, type 7. Identifiers: Orphanet 144, MedGen C1858380, MONDO:0013725, OMIM 614385.

Allele frequency attached by ClinVar (database versions not stated): TOPMed below 0.00001.
gnomAD v4.1: 1 of 1,614,156 alleles (0.000062%); no homozygotes.

Submissions (2):

Labcorp Genetics (formerly Invitae), Labcorp
Classification: Uncertain significance for Colorectal cancer, hereditary nonpolyposis, type 7. Last evaluated: 2025-07-30. Review status: criteria provided, single submitter. Criteria: Invitae Variant Classification Sherloc (09022015). Collection method: clinical testing. Allele origin: germline.
Comment: This sequence change replaces phenylalanine, which is neutral and non-polar, with leucine, which is neutral and non-polar, at codon 830 of the MLH3 protein (p.Phe830Leu). This variant is not present in population databases (gnomAD no frequency). This variant has not been reported in the literature in individuals affected with MLH3-related conditions. ClinVar contains an entry for this variant (Variation ID: 1023513). An algorithm developed to predict the effect of missense changes on protein structure and function outputs the following: PolyPhen-2: "Benign". The leucine amino acid residue is found in multiple mammalian species, which suggests that this missense change does not adversely affect protein function. In summary, the available evidence is currently insufficient to determine the role of this variant in disease. Therefore, it has been classified as a Variant of Uncertain Significance.

Ambry Genetics
Classification: Likely benign. Last evaluated: 2024-01-18. Review status: criteria provided, single submitter. Criteria: Ambry Variant Classification Scheme 2023. Collection method: clinical testing. Allele origin: germline.